The following is an entry in ClinVar:

NM_006005.3(WFS1):c.1740G>A (p.Val580=)

Gene: WFS1 (wolframin ER transmembrane glycoprotein; plus strand). Cytogenetic location: 4p16.1.
Variant type: single nucleotide variant.
Coding change: c.1740G>A on transcript NM_006005.3 (MANE Select); coding-DNA position 1740, G replaced by A.
Protein change: p.Val580=; no amino-acid change (valine 580 retained).
Molecular consequence: synonymous variant.
Genome position (GRCh38, 1-based): chr4:6,301,535, G>A. VCF-style: chr4-6301535-G-A. GRCh37 (hg19) VCF-style: chr4-6303262-G-A.
Other names: c.1740G>A, p.Val580= (NM_001145853.1).
Identifiers: ClinVar variation 391045 (VCV000391045.14), dbSNP rs749882923, ClinGen allele CA2839468.

ClinVar aggregate classification (germline): Likely benign. Review status: criteria provided, multiple submitters, no conflicts (2 of 4 stars). 4 submissions from 4 submitters: Likely benign (4). Last evaluated 2025-09-03.

Conditions:
WFS1-related disorder. Identifiers: MedGen CN379391, MONDO:0700293.

Allele frequency attached by ClinVar (database versions not stated): TOPMed 0.00003.
gnomAD v4.1: 23 of 1,614,018 alleles (0.0014%); highest among the groups gnomAD compares: Admixed American, 0.038%; no homozygotes.

Submissions (4):

Labcorp Genetics (formerly Invitae), Labcorp
Classification: Likely benign. Last evaluated: 2025-09-03. Review status: criteria provided, single submitter. Criteria: Invitae Variant Classification Sherloc (09022015). Collection method: clinical testing. Allele origin: germline.

PreventionGenetics, part of Exact Sciences
Classification: Likely benign for WFS1-related condition. Last evaluated: 2024-12-28. Review status: criteria provided, single submitter. Criteria: ACMG Guidelines, 2015. Collection method: clinical testing. Allele origin: germline.
Comment: This variant is classified as likely benign based on ACMG/AMP sequence variant interpretation guidelines (Richards et al. 2015 PMID: 25741868, with internal and published modifications).

GeneDx
Classification: Likely benign. Last evaluated: 2020-11-10. Review status: criteria provided, single submitter. Criteria: GeneDx Variant Classification Process June 2021. Collection method: clinical testing. Allele origin: germline. Affected: yes.

Laboratory for Molecular Medicine, Mass General Brigham Personalized Medicine
Classification: Likely benign. Last evaluated: 2017-08-23. Review status: criteria provided, single submitter. Criteria: LMM Criteria. Collection method: clinical testing. Allele origin: germline. Observed: 1 variant allele.
Comment: p.Val580Val in exon 8 of WFS1: This variant is not expected to have clinical sig nificance because it does not alter an amino acid residue and is not located wit hin the splice consensus sequence. It has been identified in 0.03% (3/11572) of Latino chromosomes by the Exome Aggregation Consortium (ExAC; dbSNP rs749882923).